The following is an entry in ClinVar:

ClinVar aggregate classification (germline): Conflicting classifications of pathogenicity. Review status: criteria provided, conflicting classifications (1 of 4 stars). 6 submissions from 6 submitters: Uncertain significance (2); Likely benign (3). 1 of the submissions does not count toward it. Last evaluated 2025-05-16.

Conditions:
LMF1-related disorder. Also called: LMF1-related condition.
Cardiovascular phenotype. Identifiers: MedGen CN230736.
Lipase deficiency, combined. Also called: LIPOPROTEIN LIPASE DEFICIENCY WITH HEPATIC TRIGLYCERIDE LIPASE DEFICIENCY; LPL AND HL DEFICIENCY; LPL AND HTGL DEFICIENCY. Identifiers: Orphanet 535453, MedGen C1855498, MONDO:0009527, OMIM 246650.

Allele frequency attached by ClinVar (database versions not stated): gnomAD exomes 0.00010 and 0.00042; gnomAD 0.00014 and 0.00019; TOPMed 0.00021; 1000 Genomes Project 30x 0.00031; ExAC 0.00037; 1000 Genomes Project 0.00040.
gnomAD v4.1: 170 of 1,612,582 alleles (0.011%); highest among the groups gnomAD compares: East Asian, 0.21%; no homozygotes.

Submissions (6):

Labcorp Genetics (formerly Invitae), Labcorp
Classification: Likely benign. Last evaluated: 2025-05-16. Review status: criteria provided, single submitter. Criteria: Invitae Variant Classification Sherloc (09022015). Collection method: clinical testing. Allele origin: germline.

Ambry Genetics
Classification: Likely benign for Cardiovascular phenotype. Last evaluated: 2024-09-25. Review status: criteria provided, single submitter. Criteria: Ambry Variant Classification Scheme 2023. Collection method: clinical testing. Allele origin: germline.

GeneDx
Classification: Uncertain significance. Last evaluated: 2024-06-04. Review status: criteria provided, single submitter. Criteria: GeneDx Variant Classification Process June 2021. Collection method: clinical testing. Allele origin: germline. Affected: yes.
Comment: Has been reported in a patient with isolated hypercholesterolemia (PMID: 33303402); In silico analysis supports that this missense variant has a deleterious effect on protein structure/function; This variant is associated with the following publications: (PMID: 33303402, 32041611)

New York Genome Center
Classification: Uncertain significance for Lipase deficiency, combined. Last evaluated: 2022-08-03. Review status: criteria provided, single submitter. Criteria: NYGC Assertion Criteria 2020. Collection method: clinical testing. Allele origin: germline. Observed: 1 heterozygote.

Fulgent Genetics
Classification: Likely benign for Lipase deficiency, combined. Last evaluated: 2022-02-07. Review status: criteria provided, single submitter. Criteria: ACMG Guidelines, 2015. Collection method: clinical testing. Allele origin: unknown.

PreventionGenetics, part of Exact Sciences
Classification: Uncertain significance for LMF1-related condition. Last evaluated: 2023-12-27. Review status: no assertion criteria provided. Collection method: clinical testing. Allele origin: germline. Not counted in ClinVar's aggregate classification.
Comment: The LMF1 c.1471G>A variant is predicted to result in the amino acid substitution p.Asp491Asn. This variant has been reported in a cohort study with dyslipidemias (Dron et al. 2020. PubMed ID: 32041611. Table S4). This variant is reported in 0.47% of alleles in individuals of East Asian descent in gnomAD. Although we suspect that this variant may be benign, at this time, the clinical significance of this variant is uncertain due to the absence of conclusive functional and genetic evidence.

Literature cited by the submitters: PubMed 32190547 (cited by Ambry Genetics).

NM_022773.4(LMF1):c.1471G>A (p.Asp491Asn)

Gene: LMF1 (lipase maturation factor 1; minus strand). Cytogenetic location: 16p13.3.
Variant type: single nucleotide variant.
Coding change: c.1471G>A on transcript NM_022773.4 (MANE Select); coding-DNA position 1471, G replaced by A.
Protein change: p.Asp491Asn; replaces aspartic acid 491 with asparagine.
Molecular consequence: missense variant. On other transcripts: non-coding transcript variant (1).
Genome position (GRCh38, 1-based): chr16:869,002, C>T on the plus strand (G>A on the coding strand, the complement: LMF1 is on the minus strand). VCF-style: chr16-869002-C-T. GRCh37 (hg19) VCF-style: chr16-919002-C-T.
Other names: c.820G>A, p.Asp274Asn (NM_001352017.2, NM_001352021.2); c.1072G>A, p.Asp358Asn (NM_001352018.2); c.1144G>A, p.Asp382Asn (NM_001352019.2); c.1391G>A, p.Arg464Gln (NM_001352020.1); c.1471G>A (NM_022773.3); short protein forms R464Q, D491N, D274N, D358N, D382N.
Identifiers: ClinVar variation 753950 (VCV000753950.15), dbSNP rs532127028, ClinGen allele CA7796958.
Genomic context (GRCh38, chr16:869,002, plus strand): 5'-ACCTGGGCGGGGGCCTGCCCGCGAAGGGGTTGTGTGCCAGCAGGGACAAGGCCTCGGCGT[C>T]GCTGGCCAGGAGCTTGCCAGCCAGGTGGATGATCCAGTCGTTGTGCTCGTAGGTCTGGGA-3'
Protein context (NP_073610.2, residues 481-501): IHLAGKLLAS[Asp491Asn]AEALSLLAHN